The following is an entry in ClinVar:

NM_000540.3(RYR1):c.6622A>G (p.Met2208Val)

Gene: RYR1 (ryanodine receptor 1; plus strand). Cytogenetic location: 19q13.2.
Variant type: single nucleotide variant.
Coding change: c.6622A>G on transcript NM_000540.3 (MANE Select); coding-DNA position 6622, A replaced by G.
Protein change: p.Met2208Val; replaces methionine 2208 with valine.
Molecular consequence: missense variant.
Genome position (GRCh38, 1-based): chr19:38,496,288, A>G. VCF-style: chr19-38496288-A-G. GRCh37 (hg19) VCF-style: chr19-38986928-A-G.
Other names: c.6622A>G, p.Met2208Val (NM_001042723.2); short protein forms M2208V.
Identifiers: ClinVar variation 3075293 (VCV003075293.2), dbSNP rs1260953737, ClinGen allele CA405665936.

ClinVar aggregate classification (germline): Uncertain significance. Review status: criteria provided, multiple submitters, no conflicts (2 of 4 stars). 2 submissions from 2 submitters: Uncertain significance (2). Last evaluated 2025-09-06.

Conditions:
RYR1-related disorder. Also called: RYR1-related condition; RYR1-related disorders. Identifiers: MedGen CN239331.
Malignant hyperthermia, susceptibility to, 1 (MHS1). Also called: Anesthesia related hyperthermia; Malignant hyperpyrexia; Fulminating hyperpyrexia; Pharmacogenic myopathy; RYR1-Related Malignant Hyperthermia Susceptibility; Malignant hyperthermia suceptibility 1. Identifiers: Orphanet 423, MedGen C2930980, MONDO:0007783, OMIM 145600.

Allele frequency attached by ClinVar (database versions not stated): gnomAD 0.00001; gnomAD exomes 0.00001.

Submissions (2):

Labcorp Genetics (formerly Invitae), Labcorp
Classification: Uncertain significance for RYR1-related disorder. Last evaluated: 2025-09-06. Review status: criteria provided, single submitter. Criteria: Invitae Variant Classification Sherloc (09022015). Collection method: clinical testing. Allele origin: germline.
Comment: This sequence change replaces methionine, which is neutral and non-polar, with valine, which is neutral and non-polar, at codon 2208 of the RYR1 protein (p.Met2208Val). This variant is present in population databases (no rsID available, gnomAD 0.0009%). This variant has not been reported in the literature in individuals affected with RYR1-related conditions. ClinVar contains an entry for this variant (Variation ID: 3075293). Invitae Evidence Modeling of protein sequence and biophysical properties (such as structural, functional, and spatial information, amino acid conservation, physicochemical variation, residue mobility, and thermodynamic stability) indicates that this missense variant is expected to disrupt RYR1 protein function with a positive predictive value of 80%. In summary, the available evidence is currently insufficient to determine the role of this variant in disease. Therefore, it has been classified as a Variant of Uncertain Significance.

All of Us Research Program, National Institutes of Health
Classification: Uncertain significance for Malignant hyperthermia, susceptibility to, 1. Last evaluated: 2024-01-08. Review status: criteria provided, single submitter. Criteria: ACMG Guidelines, 2015. Collection method: clinical testing. Allele origin: germline. Inheritance: Autosomal dominant inheritance. Observed: 1 variant allele, 1 heterozygote.
Comment: This missense variant replaces methionine with valine at codon 2208 of the RYR1 protein. Computational prediction suggests that this variant may have deleterious impact on protein structure and function (internally defined REVEL score threshold >= 0.7, PMID: 27666373). To our knowledge, functional studies have not been reported for this variant. This variant has not been reported in individuals affected with RYR1-related disorders in the literature. This variant has been identified in 1/251252 chromosomes in the general population by the Genome Aggregation Database (gnomAD). The available evidence is insufficient to determine the role of this variant in disease conclusively. Therefore, this variant is classified as a Variant of Uncertain Significance.

This study involves interpretation of variants in research participants for the purpose of population health screening. Participant phenotype was not available at the time of variant classification. Additional details can be found in publication PMID: 35346344, PMCID: PMC8962531